The following is an entry in ClinVar:

NM_001033044.4(GLUL):c.-14+1156C>T

Gene: GLUL (glutamate-ammonia ligase; minus strand). Cytogenetic location: 1q25.3.
Variant type: single nucleotide variant.
Coding change: c.-14+1156C>T on transcript NM_001033044.4 (MANE Select); 1156 bases into the intron after 14 bases upstream of the start codon, C replaced by T.
Molecular consequence: intron variant. On other transcripts: 5 prime UTR variant (1).
Genome position (GRCh38, 1-based): chr1:182,390,523, G>A on the plus strand (C>T on the coding strand, the complement: GLUL is on the minus strand). VCF-style: chr1-182390523-G-A. GRCh37 (hg19) VCF-style: chr1-182359658-G-A.
Other names: c.-40C>T (NM_002065.7); c.-14+652C>T (NM_001033056.4).
Identifiers: ClinVar variation 3771645 (VCV003771645.13).

ClinVar aggregate classification (germline): Likely benign (1 of 4 stars; one submission).

gnomAD v4.1: 2 of 398,948 alleles (0.0005%); highest among the groups gnomAD compares: Non-Finnish European, 0.00088%; no homozygotes.

Submission:

CeGaT Center for Human Genetics Tuebingen
Classification: Likely benign. Last evaluated: 2025-01-01. Review status: criteria provided, single submitter. Criteria: CeGaT Center For Human Genetics Tuebingen Variant Classification Criteria Version 2. Collection method: clinical testing. Allele origin: germline. Affected: yes. Observed: 1 variant allele.
Comment: GLUL: BP4, BP7